The following is an entry in ClinVar:

NM_001035.3(RYR2):c.3423+10C>A

Gene: RYR2 (ryanodine receptor 2; plus strand). Cytogenetic location: 1q43.
Variant type: single nucleotide variant.
Coding change: c.3423+10C>A on transcript NM_001035.3 (MANE Select); 10 bases into the intron after coding-DNA position 3423, C replaced by A.
Molecular consequence: intron variant.
Genome position (GRCh38, 1-based): chr1:237,566,785, C>A. VCF-style: chr1-237566785-C-A. GRCh37 (hg19) VCF-style: chr1-237730085-C-A.
Identifiers: ClinVar variation 227917 (VCV000227917.9), dbSNP rs876657577, ClinGen allele CA10576402.

ClinVar aggregate classification (germline): Likely benign. Review status: criteria provided, multiple submitters, no conflicts (2 of 4 stars). 2 submissions from 2 submitters: Likely benign (2). Last evaluated 2025-11-12.

Conditions:
Catecholaminergic polymorphic ventricular tachycardia 1. Also called: VENTRICULAR TACHYCARDIA, STRESS-INDUCED POLYMORPHIC 1; VENTRICULAR TACHYCARDIA, CATECHOLAMINERGIC POLYMORPHIC, 1, WITH OR WITHOUT ATRIAL DYSFUNCTION AND/OR DILATED CARDIOMYOPATHY; RYR2-Related Catecholaminergic Polymorphic Ventricular Tachycardia. Identifiers: Orphanet 3286, MedGen C1631597, MONDO:0011484, OMIM 604772.

Allele frequency attached by ClinVar (database versions not stated): gnomAD exomes below 0.00001; gnomAD 0.00003 and 0.00004; TOPMed 0.00003.

Submissions (2):

Labcorp Genetics (formerly Invitae), Labcorp
Classification: Likely benign for Catecholaminergic polymorphic ventricular tachycardia 1. Last evaluated: 2025-11-12. Review status: criteria provided, single submitter. Criteria: Invitae Variant Classification Sherloc (09022015). Collection method: clinical testing. Allele origin: germline.

Laboratory for Molecular Medicine, Mass General Brigham Personalized Medicine
Classification: Likely benign. Last evaluated: 2015-04-07. Review status: criteria provided, single submitter. Criteria: LMM Criteria. Collection method: clinical testing. Allele origin: germline. Observed: 1 variant allele.
Comment: c.3423+10C>A in intron 28 of RYR2: This variant is not expected to have clinical significance because it is not located within the conserved splice consensus se quence.